The following is an entry in ClinVar:

NM_182961.4(SYNE1):c.7324C>A (p.Leu2442Ile)

Gene: SYNE1 (spectrin repeat containing nuclear envelope protein 1; minus strand). Cytogenetic location: 6q25.2.
Variant type: single nucleotide variant.
Coding change: c.7324C>A on transcript NM_182961.4 (MANE Select); coding-DNA position 7324, C replaced by A.
Protein change: p.Leu2442Ile; replaces leucine 2442 with isoleucine.
Molecular consequence: missense variant.
Genome position (GRCh38, 1-based): chr6:152,398,645, G>T on the plus strand (C>A on the coding strand, the complement: SYNE1 is on the minus strand). VCF-style: chr6-152398645-G-T. GRCh37 (hg19) VCF-style: chr6-152719780-G-T.
Other names: c.7345C>A, p.Leu2449Ile (NM_033071.5); short protein forms L2442I, L2449I.
Identifiers: ClinVar variation 961744 (VCV000961744.7), dbSNP rs747633088, ClinGen allele CA4057849.

ClinVar aggregate classification (germline): Uncertain significance (1 of 4 stars; one submission).

Conditions:
Autosomal recessive ataxia, Beauce type. Also called: Spinocerebellar ataxia, autosomal recessive 8; ATAXIA, RECESSIVE, OF BEAUCE; SYNE1-Related Autosomal Recessive Cerebellar Ataxia; SYNE1 Deficiency. Identifiers: Orphanet 88644, MedGen C1853116, MONDO:0012549, OMIM 610743.
Emery-Dreifuss muscular dystrophy 4, autosomal dominant (EDMD4). Also called: EMERY-DREIFUSS MUSCULAR DYSTROPHY 4 WITH VARIABLE FEATURES. Identifiers: Orphanet 261, MedGen C2751807, MONDO:0013071, OMIM 612998.

Allele frequency attached by ClinVar (database versions not stated): gnomAD 0.00001 and 0.00003; gnomAD exomes 0.00001 and 0.00005; ExAC 0.00002; TOPMed 0.00003.
gnomAD v4.1: 20 of 1,613,806 alleles (0.0012%); highest among the groups gnomAD compares: Admixed American, 0.023%; no homozygotes.

Submission:

Labcorp Genetics (formerly Invitae), Labcorp
Classification: Uncertain significance for Emery-Dreifuss muscular dystrophy 4, autosomal dominant; Autosomal recessive ataxia, Beauce type. Last evaluated: 2022-08-16. Review status: criteria provided, single submitter. Criteria: Invitae Variant Classification Sherloc (09022015). Collection method: clinical testing. Allele origin: germline.
Comment: This sequence change replaces leucine, which is neutral and non-polar, with isoleucine, which is neutral and non-polar, at codon 2449 of the SYNE1 protein (p.Leu2449Ile). This variant is present in population databases (rs747633088, gnomAD 0.03%). This variant has not been reported in the literature in individuals affected with SYNE1-related conditions. ClinVar contains an entry for this variant (Variation ID: 961744). Algorithms developed to predict the effect of missense changes on protein structure and function output the following: SIFT: "Tolerated"; PolyPhen-2: "Benign"; Align-GVGD: "Class C0". The isoleucine amino acid residue is found in multiple mammalian species, which suggests that this missense change does not adversely affect protein function. In summary, the available evidence is currently insufficient to determine the role of this variant in disease. Therefore, it has been classified as a Variant of Uncertain Significance.